The following is an entry in ClinVar:

NM_001330588.2(TPP2):c.3071C>G (p.Ser1024Ter)

Gene: TPP2 (tripeptidyl peptidase 2; plus strand). Cytogenetic location: 13q33.1.
Variant type: single nucleotide variant.
Coding change: c.3071C>G on transcript NM_001330588.2 (MANE Select); coding-DNA position 3071, C replaced by G.
Protein change: p.Ser1024Ter; replaces serine 1024 with a stop codon.
Molecular consequence: nonsense. On other transcripts: non-coding transcript variant (1).
Genome position (GRCh38, 1-based): chr13:102,657,135, C>G. VCF-style: chr13-102657135-C-G. GRCh37 (hg19) VCF-style: chr13-103309485-C-G.
Other names: c.3032C>G, p.Ser1011Ter (NM_001367947.1, NM_003291.4); short protein forms S1024*, S1011*.
Identifiers: ClinVar variation 2856662 (VCV002856662.3), dbSNP rs1883911620, ClinGen allele CA388503980.
Genomic context (GRCh38, chr13:102,657,135, plus strand): 5'-ACTACTTAATACCTCCACCAACAAAGACTAAGAATGGCAGCAAAGATAAGGAAAAAGATT[C>G]AGAAAAAGAGAAAGATTTAAAAGAAGAGTTTACTGAAGCATTACGAGATCTTAAAATTCA-3'

ClinVar aggregate classification (germline): Pathogenic (1 of 4 stars; one submission).

Conditions:
Evans syndrome, immunodeficiency, and premature immunosenescence associated with tripeptidyl-peptidase II deficiency. Identifiers: MedGen CN231723. Disease mechanism: loss of function.

gnomAD v4.1: 1 of 1,589,166 alleles (0.000063%); highest among the groups gnomAD compares: Non-Finnish European, 0.000085%; no homozygotes.

Submission:

Labcorp Genetics (formerly Invitae), Labcorp
Classification: Pathogenic for Evans syndrome, immunodeficiency, and premature immunosenescence associated with tripeptidyl-peptidase II deficiency. Last evaluated: 2023-06-15. Review status: criteria provided, single submitter. Criteria: Invitae Variant Classification Sherloc (09022015). Collection method: clinical testing. Allele origin: germline.
Comment: This sequence change creates a premature translational stop signal (p.Ser1011*) in the TPP2 gene. It is expected to result in an absent or disrupted protein product. Loss-of-function variants in TPP2 are known to be pathogenic (PMID: 25414442). For these reasons, this variant has been classified as Pathogenic. This variant has not been reported in the literature in individuals affected with TPP2-related conditions. This variant is not present in population databases (gnomAD no frequency).

Literature cited by the submitters: PubMed 25414442.